The following is an entry in ClinVar:

NM_144997.7(FLCN):c.282A>G (p.Gly94=)

Gene: FLCN (folliculin; minus strand). Cytogenetic location: 17p11.2.
Variant type: single nucleotide variant.
Coding change: c.282A>G on transcript NM_144997.7 (MANE Select); coding-DNA position 282, A replaced by G.
Protein change: p.Gly94=; no amino-acid change (glycine 94 retained).
Molecular consequence: synonymous variant.
Genome position (GRCh38, 1-based): chr17:17,226,290, T>C on the plus strand (A>G on the coding strand, the complement: FLCN is on the minus strand). VCF-style: chr17-17226290-T-C. GRCh37 (hg19) VCF-style: chr17-17129604-T-C.
Other names: c.282A>G, p.Gly94= (NM_001353229.2, NM_001353230.2, NM_001353231.2 and 1 more transcripts).
Identifiers: ClinVar variation 1440573 (VCV001440573.9), dbSNP rs750553308, ClinGen allele CA8416457.

ClinVar aggregate classification (germline): Benign/Likely benign. Review status: criteria provided, multiple submitters, no conflicts (2 of 4 stars). 3 submissions from 3 submitters: Benign (1); Likely benign (2). Last evaluated 2024-10-22.

Conditions:
Birt-Hogg-Dube syndrome 1 (BHD1). Also called: FIBROFOLLICULOMAS WITH TRICHODISCOMAS AND ACROCHORDONS. Identifiers: Orphanet 122, MedGen CN375946, MONDO:0800445, OMIM 135150.
Hereditary cancer-predisposing syndrome. Also called: Neoplastic Syndromes, Hereditary; Hereditary Cancer Syndrome; Tumor predisposition; Hereditary neoplastic syndrome. Identifiers: Orphanet 140162, MedGen C0027672, MeSH D009386, MONDO:0015356.
Birt-Hogg-Dube syndrome. Also called: Birt Hogg Dubé syndrome. Identifiers: Orphanet 122, MedGen C0346010, MONDO:0800444.

Allele frequency attached by ClinVar (database versions not stated): gnomAD exomes below 0.00001; ExAC 0.00001.
gnomAD v4.1: 1 of 1,614,134 alleles (0.000062%); highest among the groups gnomAD compares: South Asian, 0.0011%; no homozygotes.

Submissions (3):

Myriad Genetics, Inc.
Classification: Benign for Birt-Hogg-Dube syndrome 1. Last evaluated: 2024-10-22. Review status: criteria provided, single submitter. Criteria: Myriad Autosomal Dominant, Autosomal Recessive and X-Linked Classification Criteria (2023). Collection method: clinical testing. Allele origin: unknown.
Comment: This variant is considered benign. This variant is a silent/synonymous amino acid change and it is not expected to impact splicing.

Labcorp Genetics (formerly Invitae), Labcorp
Classification: Likely benign for Birt-Hogg-Dube syndrome. Last evaluated: 2022-12-16. Review status: criteria provided, single submitter. Criteria: Invitae Variant Classification Sherloc (09022015). Collection method: clinical testing. Allele origin: germline.

Ambry Genetics
Classification: Likely benign for Hereditary cancer-predisposing syndrome. Last evaluated: 2021-06-01. Review status: criteria provided, single submitter. Criteria: Ambry Variant Classification Scheme 2023. Collection method: clinical testing. Allele origin: germline.